The following is an entry in ClinVar:

NC_000020.11:g.(?_63472148)_(63497783_?)del

Genes: EEF1A2 (eukaryotic translation elongation factor 1 alpha 2; minus strand), KCNQ2 (potassium voltage-gated channel subfamily Q member 2; minus strand). Cytogenetic location: 20q13.33.
Variant type: Deletion.
Identifiers: ClinVar variation 830560 (VCV000830560.2).

ClinVar aggregate classification (germline): Pathogenic (1 of 4 stars; one submission).

Conditions:
Developmental and epileptic encephalopathy. Identifiers: MedGen C5779964, MONDO:0100620.

Submission:

Labcorp Genetics (formerly Invitae), Labcorp
Classification: Pathogenic for Early infantile epileptic encephalopathy with suppression bursts. Last evaluated: 2019-12-23. Review status: criteria provided, single submitter. Criteria: Invitae Variant Classification Sherloc (09022015). Collection method: clinical testing. Allele origin: germline.
Comment: This variant is a gross deletion of the genomic region encompassing exons 1 of the KCNQ2 gene, which includes the initiator codon. The 5' end of this event is unknown as it extends beyond the assayed region for this gene and therefore may encompass additional genes. The 3' boundary is likely confined to intron 1 of the KCNQ2 gene. This is expected to result in an absent or disrupted protein product. This variant has been observed in a family affected with benign familial neonatal seizures (PMID: 23360469). Loss-of-function variants in KCNQ2 are known to be pathogenic (PMID: 14534157, 23692823, 25951140, 25959266, 26758118, 27779742). For these reasons, this variant has been classified as Pathogenic.

Literature cited by the submitters: PubMed 23360469.